The following is an entry in ClinVar:

ClinVar aggregate classification (germline): Uncertain significance. Review status: criteria provided, multiple submitters, no conflicts (2 of 4 stars). 4 submissions from 4 submitters: Uncertain significance (4). Last evaluated 2025-10-25.

Conditions:
Hereditary cancer-predisposing syndrome. Also called: Tumor predisposition; Hereditary neoplastic syndrome; Neoplastic Syndromes, Hereditary; Hereditary Cancer Syndrome. Identifiers: Orphanet 140162, MedGen C0027672, MeSH D009386, MONDO:0015356.
Familial cancer of breast. Also called: hereditary breast carcinoma; Hereditary breast cancer; BREAST CANCER, FAMILIAL. Identifiers: Orphanet 227535, MedGen C0346153, MONDO:0016419, OMIM 114480. Disease mechanism: loss of function.
Fanconi anemia complementation group J. Also called: BRIP1-Related Fanconi Anemia. Identifiers: Orphanet 84, MedGen C1836860, MONDO:0012187, OMIM 609054.

Allele frequency attached by ClinVar (database versions not stated): gnomAD exomes below 0.00001.

Submissions (4):

Labcorp Genetics (formerly Invitae), Labcorp
Classification: Uncertain significance for Familial cancer of breast; Fanconi anemia complementation group J. Last evaluated: 2025-10-25. Review status: criteria provided, single submitter. Criteria: Invitae Variant Classification Sherloc (09022015). Collection method: clinical testing. Allele origin: germline.
Comment: This sequence change replaces asparagine, which is neutral and polar, with serine, which is neutral and polar, at codon 1156 of the BRIP1 protein (p.Asn1156Ser). This variant is not present in population databases (gnomAD no frequency). This variant has not been reported in the literature in individuals affected with BRIP1-related conditions. ClinVar contains an entry for this variant (Variation ID: 823804). Invitae Evidence Modeling of protein sequence and biophysical properties (such as structural, functional, and spatial information, amino acid conservation, physicochemical variation, residue mobility, and thermodynamic stability) indicates that this missense variant is not expected to disrupt BRIP1 protein function with a negative predictive value of 95%. In summary, the available evidence is currently insufficient to determine the role of this variant in disease. Therefore, it has been classified as a Variant of Uncertain Significance.

CeGaT Center for Human Genetics Tuebingen
Classification: Uncertain significance. Last evaluated: 2025-04-01. Review status: criteria provided, single submitter. Criteria: CeGaT Center For Human Genetics Tuebingen Variant Classification Criteria Version 2. Collection method: clinical testing. Allele origin: germline. Affected: yes. Observed: 1 variant allele.
Comment: BRIP1: PM2, BP4

Ambry Genetics
Classification: Uncertain significance for Hereditary cancer-predisposing syndrome. Last evaluated: 2024-10-30. Review status: criteria provided, single submitter. Criteria: Ambry Variant Classification Scheme 2023. Collection method: clinical testing. Allele origin: germline.
Comment: The p.N1156S variant (also known as c.3467A>G), located in coding exon 19 of the BRIP1 gene, results from an A to G substitution at nucleotide position 3467. The asparagine at codon 1156 is replaced by serine, an amino acid with highly similar properties. This amino acid position is poorly conserved in available vertebrate species. In addition, this alteration is predicted to be tolerated by in silico analysis. Since supporting evidence is limited at this time, the clinical significance of this alteration remains unclear.

Color Diagnostics, LLC DBA Color Health
Classification: Uncertain significance for Hereditary cancer-predisposing syndrome. Last evaluated: 2019-02-04. Review status: criteria provided, single submitter. Criteria: ACMG Guidelines, 2015. Collection method: clinical testing. Allele origin: germline.

NM_032043.3(BRIP1):c.3467A>G (p.Asn1156Ser)

Gene: BRIP1 (BRCA1 interacting DNA helicase 1; minus strand). Cytogenetic location: 17q23.2.
Variant type: single nucleotide variant.
Coding change: c.3467A>G on transcript NM_032043.3 (MANE Select); coding-DNA position 3467, A replaced by G.
Protein change: p.Asn1156Ser; replaces asparagine 1156 with serine.
Molecular consequence: missense variant.
Genome position (GRCh38, 1-based): chr17:61,683,579, T>C on the plus strand (A>G on the coding strand, the complement: BRIP1 is on the minus strand). VCF-style: chr17-61683579-T-C. GRCh37 (hg19) VCF-style: chr17-59760940-T-C.
Other names: short protein forms N1156S.
Identifiers: ClinVar variation 823804 (VCV000823804.19), dbSNP rs1603275008, ClinGen allele CA400478660.